The following is an entry in ClinVar:

NM_000530.8(MPZ):c.270C>A (p.Asp90Glu)

Gene: MPZ (myelin protein zero; minus strand). Cytogenetic location: 1q23.3.
Variant type: single nucleotide variant.
Coding change: c.270C>A on transcript NM_000530.8 (MANE Select); coding-DNA position 270, C replaced by A.
Protein change: p.Asp90Glu; replaces aspartic acid 90 with glutamic acid.
Molecular consequence: missense variant.
Genome position (GRCh38, 1-based): chr1:161,306,886, G>T on the plus strand (C>A on the coding strand, the complement: MPZ is on the minus strand). VCF-style: chr1-161306886-G-T. GRCh37 (hg19) VCF-style: chr1-161276676-G-T.
Other names: c.270C>A, p.Asp90Glu (NM_001315491.2, LRG_256t1); short protein forms D90E.
Identifiers: ClinVar variation 14167 (VCV000014167.12), dbSNP rs121913584, ClinGen allele CA257144.

ClinVar aggregate classification (germline): Pathogenic. Review status: criteria provided, multiple submitters, no conflicts (2 of 4 stars). 4 submissions from 4 submitters: Pathogenic (2). 2 of the submissions do not count toward it. Last evaluated 2025-10-21.

Conditions:
Charcot-Marie-Tooth disease, type I (CMT1). Also called: Charcot-Marie-Tooth, Type 1; Charcot-Marie-Tooth disease type 1. Identifiers: Orphanet 65753, MedGen C0751036, MONDO:0019011.
Charcot-Marie-Tooth disease. Also called: Charcot-Marie-Tooth Hereditary Neuropathy; Charcot-Marie-Tooth Neuropathy. Identifiers: Orphanet 166, MedGen C0007959, MONDO:0015626.
Charcot-Marie-Tooth disease type 1B. Also called: Charcot-Marie-Tooth disease, type IB; Charcot-Marie-Tooth disease, demyelinating, type 1b; Hereditary motor and sensory neuropathy 1B; CHARCOT-MARIE-TOOTH DISEASE, AUTOSOMAL DOMINANT, WITH FOCALLY FOLDED MYELIN SHEATHS, TYPE 1B; CHARCOT-MARIE-TOOTH DISEASE, SLOW NERVE CONDUCTION TYPE, LINKED TO DUFFY; CHARCOT-MARIE-TOOTH NEUROPATHY, TYPE 1B. Identifiers: Orphanet 101082, MedGen C0270912, MONDO:0007307, OMIM 118200.

Submissions (4):

Labcorp Genetics (formerly Invitae), Labcorp
Classification: Pathogenic for Charcot-Marie-Tooth disease, type I. Last evaluated: 2025-10-21. Review status: criteria provided, single submitter. Criteria: Invitae Variant Classification Sherloc (09022015). Collection method: clinical testing. Allele origin: germline.
Comment: This sequence change replaces aspartic acid, which is acidic and polar, with glutamic acid, which is acidic and polar, at codon 90 of the MPZ protein (p.Asp90Glu). This variant is not present in population databases (gnomAD no frequency). This missense change has been observed in individual(s) with hereditary motor and sensory neuropathy and Charcot-Marie-Tooth disease (CMT) (PMID: 7693129, 20571287, 25694466). In at least one individual the variant was observed to be de novo. ClinVar contains an entry for this variant (Variation ID: 14167). Invitae Evidence Modeling of protein sequence and biophysical properties (such as structural, functional, and spatial information, amino acid conservation, physicochemical variation, residue mobility, and thermodynamic stability) indicates that this missense variant is not expected to disrupt MPZ protein function with a negative predictive value of 80%. Experimental studies have shown that this missense change affects MPZ function (PMID: 25694466). For these reasons, this variant has been classified as Pathogenic.

Athena Diagnostics
Classification: Pathogenic for Charcot-Marie-Tooth disease, type IB. Last evaluated: 2015-08-26. Review status: criteria provided, single submitter. Criteria: Athena Diagnostics Criteria. Collection method: clinical testing. Allele origin: germline. Inheritance: Autosomal dominant inheritance.

OMIM
Classification: Pathogenic for CHARCOT-MARIE-TOOTH DISEASE, TYPE 1B. Last evaluated: 1993-09-01. Review status: no assertion criteria provided. Collection method: literature only. Allele origin: germline. Not counted in ClinVar's aggregate classification.

Inherited Neuropathy Consortium
Classification: Uncertain significance for Charcot-Marie-Tooth disease. Review status: no assertion criteria provided. Collection method: literature only. Allele origin: germline. Affected: yes. Not counted in ClinVar's aggregate classification.

Literature cited by the submitters: PubMed 7693129 (cited by 4 submitters); PubMed 20571287 (cited by Labcorp Genetics (formerly Invitae), Labcorp); PubMed 25694466 (cited by Labcorp Genetics (formerly Invitae), Labcorp and Athena Diagnostics).